The following is an entry in ClinVar:

ClinVar aggregate classification (germline): Conflicting classifications of pathogenicity. Review status: criteria provided, conflicting classifications (1 of 4 stars). 10 submissions from 10 submitters: Uncertain significance (6); Likely benign (3). 1 of the submissions does not count toward it. Last evaluated 2026-01-30.

Conditions:
Hereditary cancer-predisposing syndrome. Also called: Tumor predisposition; Neoplastic Syndromes, Hereditary; Hereditary Cancer Syndrome; Hereditary neoplastic syndrome. Identifiers: Orphanet 140162, MedGen C0027672, MeSH D009386, MONDO:0015356.
Hereditary breast ovarian cancer syndrome. Also called: Hereditary breast and ovarian cancer syndrome (HBOC); Hereditary breast and ovarian cancer syndrome; Hereditary breast and ovarian cancer; Hereditary breast and/or ovarian cancer syndrome; Breast and ovarian cancer; BRCA1- and BRCA2-Associated Hereditary Breast and Ovarian Cancer. Identifiers: Orphanet 145, MedGen C0677776, MeSH D061325, MONDO:0003582. Disease mechanism: loss of function.
Breast-ovarian cancer, familial, susceptibility to, 1 (BROVCA1). Also called: OVARIAN CANCER, SUSCEPTIBILITY TO; BRCA1 Hereditary Breast and Ovarian Cancer. Identifiers: Orphanet 145, MedGen C2676676, MONDO:0011450, OMIM 604370. Disease mechanism: loss of function.

Allele frequency attached by ClinVar (database versions not stated): gnomAD exomes below 0.00001; ExAC 0.00001; TOPMed 0.00002.
gnomAD v4.1: 2 of 1,613,942 alleles (0.00012%); highest among the groups gnomAD compares: East Asian, 0.0045%; no homozygotes.

Submissions (10):

Labcorp Genetics (formerly Invitae), Labcorp
Classification: Uncertain significance for Hereditary breast ovarian cancer syndrome. Last evaluated: 2026-01-30. Review status: criteria provided, single submitter. Criteria: Invitae Variant Classification Sherloc (09022015). Collection method: clinical testing. Allele origin: germline.
Comment: This sequence change replaces glutamic acid, which is acidic and polar, with aspartic acid, which is acidic and polar, at codon 827 of the BRCA1 protein (p.Glu827Asp). This variant is present in population databases (rs397508970, gnomAD 0.006%). This missense change has been observed in individual(s) with breast and/or ovarian cancer (PMID: 17100994, 27383479, 31825140, 31907386). ClinVar contains an entry for this variant (Variation ID: 54580). Invitae Evidence Modeling of protein sequence and biophysical properties (such as structural, functional, and spatial information, amino acid conservation, physicochemical variation, residue mobility, and thermodynamic stability) indicates that this missense variant is not expected to disrupt BRCA1 protein function with a negative predictive value of 80%. In summary, the available evidence is currently insufficient to determine the role of this variant in disease. Therefore, it has been classified as a Variant of Uncertain Significance.

Blueprint Genetics
Classification: Uncertain significance. Last evaluated: 2024-02-23. Review status: criteria provided, single submitter. Criteria: ACMG Guidelines, 2015. Collection method: clinical testing. Allele origin: germline.

Color Diagnostics, LLC DBA Color Health
Classification: Uncertain significance for Hereditary cancer-predisposing syndrome. Last evaluated: 2023-07-12. Review status: criteria provided, single submitter. Criteria: ACMG Guidelines, 2015. Collection method: clinical testing. Allele origin: germline.
Comment: This missense variant replaces glutamic acid with aspartic acid at codon 827 of the BRCA1 protein. Computational prediction is inconclusive regarding the impact of this variant on protein structure and function (internally defined REVEL score threshold 0.5 < inconclusive < 0.7, PMID: 27666373). To our knowledge, functional studies have not been reported for this variant. This variant has been reported in a number of breast cancer case-controls studies in which this variant was detected in both affected and unaffected individuals. In a breast cancer case-control meta-analysis, this variant was detected in 2/60466 cases and 1/53461 unaffected individuals (PMID: 33471991; Leiden Open Variation Database DB-ID BRCA1_005182) and in a breast cancer case-control study in the South Korean population, this variant was detected in at least two affected individuals and two unaffected controls (PMID: 16949048, 17100994). This variant also has been reported in Japanese case-control studies on breast, pancreatic and prostate cancer, in which this variant was detected in one unaffected individual and was absent in cancer cases (PMID: 30287823, 31214711, 32980694). This variant has been identified in 1/250944 chromosomes in the general population by the Genome Aggregation Database (gnomAD). The available evidence is insufficient to determine the role of this variant in disease conclusively. Therefore, this variant is classified as a Variant of Uncertain Significance.

University of Washington Department of Laboratory Medicine, University of Washington
Classification: Likely benign for Hereditary cancer-predisposing syndrome. Last evaluated: 2023-03-23. Review status: criteria provided, single submitter. Criteria: Dines et al. (Genet Med. 2020). Collection method: curation. Allele origin: germline.
Comment: Missense variant in a coldspot region where missense variants are very unlikely to be pathogenic (PMID:31911673).

BRCA1 coldspot (exon 11 using historical exon numbering). Reclassification based on statistical prior probability

Quest Diagnostics Nichols Institute San Juan Capistrano
Classification: Uncertain significance. Last evaluated: 2022-09-13. Review status: criteria provided, single submitter. Criteria: Quest Diagnostics criteria. Collection method: clinical testing. Allele origin: unknown.
Comment: The frequency of this variant in the general population, 0.000004 (1/250944 chromosomes), is uninformative in assessment of its pathogenicity. In the published literature, the variant has been reported in individuals with breast and/or ovarian cancer (PMIDs: 33471991 (2021), 28692638 (2017), 27383479 (2016), 17100994 (2006), and 16949048 (2006)) and in healthy unaffected controls (PMIDs: 33471991 (2021), 32467295 (2020), and 30287823 (2018)). Analysis of this variant using bioinformatics tools for the prediction of the effect of amino acid changes on protein structure and function yielded predictions that this variant is benign. Based on the available information, we are unable to determine the clinical significance of this variant.

Genetic Services Laboratory, University of Chicago
Classification: Uncertain significance. Last evaluated: 2018-11-12. Review status: criteria provided, single submitter. Criteria: ACMG Guidelines, 2015. Collection method: clinical testing. Allele origin: germline. Affected: no.

Ambry Genetics
Classification: Likely benign for Hereditary cancer-predisposing syndrome. Last evaluated: 2018-09-11. Review status: criteria provided, single submitter. Criteria: Ambry Variant Classification Scheme 2023. Collection method: clinical testing. Allele origin: germline.

Women's Health and Genetics/Laboratory Corporation of America, LabCorp
Classification: Uncertain significance. Last evaluated: 2016-06-06. Review status: criteria provided, single submitter. Criteria: LabCorp Variant Classification Summary - May 2015. Collection method: clinical testing. Allele origin: germline.
Comment: Variant summary: The BRCA1 c.2481A>C (p.Glu827Asp) variant involves the alteration of a non-conserved nucleotide. 3/4 in silico tools predict a benign outcome (SNPs&GO not captured due to low reliability index). This variant was found in 4/121702 control chromosomes at a frequency of 0.0000329, which does not exceed the estimated maximal expected allele frequency of a pathogenic BRCA1 variant (0.0010005). This variant has been reported in BrC pts as well as in normal controls in literatures. In addition, one clinical diagnostic laboratory via ClinVar classified this variant as likely benign and another lab via ClinVar classified this variant as VUS, without evidence to independently evaluate. Because of the absence of clinical information and the lack of functional studies, the variant was classified as a variant of uncertain significance (VUS) until additional information becomes available.

GeneDx
Classification: Likely benign. Last evaluated: 2015-03-03. Review status: criteria provided, single submitter. Criteria: GeneDx Variant Classification Process June 2021. Collection method: clinical testing. Allele origin: germline. Affected: yes.
Comment: See Variant Classification Assertion Criteria.

Sharing Clinical Reports Project (SCRP)
Classification: Uncertain significance for Breast-ovarian cancer, familial 1. Last evaluated: 2009-03-25. Review status: no assertion criteria provided. Collection method: clinical testing. Allele origin: germline. Not counted in ClinVar's aggregate classification.

Literature cited by the submitters: PubMed 17100994 (cited by 4 submitters); PubMed 27383479 (cited by Labcorp Genetics (formerly Invitae), Labcorp and Quest Diagnostics Nichols Institute San Juan Capistrano); PubMed 31825140 (cited by Labcorp Genetics (formerly Invitae), Labcorp); PubMed 31907386 (cited by Labcorp Genetics (formerly Invitae), Labcorp); PubMed 16949048 (cited by 3 submitters); PubMed 30287823 (cited by Color Diagnostics, LLC DBA Color Health and Quest Diagnostics Nichols Institute San Juan Capistrano); PubMed 31214711 (cited by Color Diagnostics, LLC DBA Color Health); PubMed 32980694 (cited by Color Diagnostics, LLC DBA Color Health); PubMed 33471991 (cited by Color Diagnostics, LLC DBA Color Health and Quest Diagnostics Nichols Institute San Juan Capistrano); PubMed 32467295 (cited by Quest Diagnostics Nichols Institute San Juan Capistrano); PubMed 28692638 (cited by Quest Diagnostics Nichols Institute San Juan Capistrano).

NM_007294.4(BRCA1):c.2481A>C (p.Glu827Asp)

Gene: BRCA1 (BRCA1 DNA repair associated; minus strand). Cytogenetic location: 17q21.31.
Variant type: single nucleotide variant.
Coding change: c.2481A>C on transcript NM_007294.4 (MANE Select); coding-DNA position 2481, A replaced by C.
Protein change: p.Glu827Asp; replaces glutamic acid 827 with aspartic acid.
Molecular consequence: missense variant. On other transcripts: intron variant (137).
Genome position (GRCh38, 1-based): chr17:43,093,050, T>G on the plus strand (A>C on the coding strand, the complement: BRCA1 is on the minus strand). VCF-style: chr17-43093050-T-G. GRCh37 (hg19) VCF-style: chr17-41245067-T-G.
Other names: 2600A>C; c.2481A>C, p.Glu827Asp (NM_001407597.1, NM_001407598.1, NM_001407602.1 and 30 more transcripts); c.2478A>C, p.Glu826Asp (NM_001407610.1, NM_001407611.1, NM_001407612.1 and 22 more transcripts); c.2472A>C, p.Glu824Asp (NM_001407646.1, NM_001407647.1); c.2358A>C, p.Glu786Asp (NM_001407648.1, NM_001407664.1, NM_001407665.1 and 19 more transcripts); c.2355A>C, p.Glu785Asp (NM_001407649.1, NM_001407670.1, NM_001407671.1 and 11 more transcripts); c.2403A>C, p.Glu801Asp (NM_001407653.1, NM_001407654.1, NM_001407655.1 and 4 more transcripts); c.2400A>C, p.Glu800Asp (NM_001407659.1, NM_001407660.1, NM_001407661.1 and 1 more transcripts); and 42 more; short protein forms E827D, E780D, E801D, E824D, E659D, E699D, E759D, E826D.
Identifiers: ClinVar variation 54580 (VCV000054580.29), dbSNP rs397508970, ClinGen allele CA001652.